The following is an entry in ClinVar:

NM_199420.4(POLQ):c.6842G>A (p.Gly2281Asp)

Gene: POLQ (DNA polymerase theta; minus strand). Cytogenetic location: 3q13.33.
Variant type: single nucleotide variant.
Coding change: c.6842G>A on transcript NM_199420.4 (MANE Select); coding-DNA position 6842, G replaced by A.
Protein change: p.Gly2281Asp; replaces glycine 2281 with aspartic acid.
Molecular consequence: missense variant.
Genome position (GRCh38, 1-based): chr3:121,468,308, C>T on the plus strand (G>A on the coding strand, the complement: POLQ is on the minus strand). VCF-style: chr3-121468308-C-T. GRCh37 (hg19) VCF-style: chr3-121187155-C-T.
Other names: short protein forms G2281D.
Identifiers: ClinVar variation 1755746 (VCV001755746.2), dbSNP rs146701093, ClinGen allele CA354111157.
Genomic context (GRCh38, chr3:121,468,308, plus strand): 5'-TGAGCCATTCATACTTACAAAAGTTTATTAATACAGATACAGAGAAACAGCACCTACCTG[C>T]CCATGGGAAGTAGGCCTTTGCCTACAGCTTGAGAAGGTGGGCTTTCTCCTACTAGTGTTG-3'
Protein context (NP_955452.3, residues 2271-2291): QAVGKGLLPM[Gly2281Asp]RGKYKKGFSV

ClinVar aggregate classification (germline): Uncertain significance (1 of 4 stars; one submission).

Submission:

Ambry Genetics
Classification: Uncertain significance. Last evaluated: 2021-07-31. Review status: criteria provided, single submitter. Criteria: Ambry Variant Classification Scheme 2023. Collection method: clinical testing. Allele origin: germline.
Comment: The p.G2281D variant (also known as c.6842G>A), located in coding exon 23 of the POLQ gene, results from a G to A substitution at nucleotide position 6842. The glycine at codon 2281 is replaced by aspartic acid, an amino acid with similar properties. This amino acid position is conserved. In addition, this alteration is predicted to be tolerated by in silico analysis. Since supporting evidence is limited at this time, the clinical significance of this alteration remains unclear.